The following is an entry in ClinVar:

NM_002693.3(POLG):c.425T>C (p.Leu142Pro)

Genes: POLG (DNA polymerase gamma, catalytic subunit; minus strand), POLGARF (POLG alternative reading frame; minus strand). Cytogenetic location: 15q26.1.
Variant type: single nucleotide variant.
Coding change: c.425T>C on transcript NM_002693.3 (MANE Select); coding-DNA position 425, T replaced by C.
Protein change: p.Leu142Pro; replaces leucine 142 with proline.
Molecular consequence: missense variant.
Genome position (GRCh38, 1-based): chr15:89,333,330, A>G on the plus strand (T>C on the coding strand, the complement: POLG is on the minus strand). VCF-style: chr15-89333330-A-G. GRCh37 (hg19) VCF-style: chr15-89876561-A-G.
Other names: c.425T>C, p.Leu142Pro (NM_001126131.2); short protein forms L142P.
Identifiers: ClinVar variation 425074 (VCV000425074.44), dbSNP rs1064797202, ClinGen allele CA16621678.
Genomic context (GRCh38, chr15:89,333,330, plus strand): 5'-AGCTGGGCCTGCAACAGCAAGTTGGCCGCCTCCAGGTAGGGCAGGCTCTGCTTCTGGGCC[A>G]GGAGGCGGAAGTGCTGGTCCAGGTTGTCCCCGTAGAGGGGCGGCAGGCGCAGCTCCACGT-3'
Protein context (NP_002684.1, residues 132-152): GDNLDQHFRL[Leu142Pro]AQKQSLPYLE

ClinVar aggregate classification (germline): Conflicting classifications of pathogenicity. Review status: criteria provided, conflicting classifications (1 of 4 stars). 2 submissions from 2 submitters: Likely pathogenic (1); Uncertain significance (1). Last evaluated 2021-11-03.

Conditions:
POLG-related disorder. Also called: POLG-Related Spectrum Disorders; POLG-related condition; POLG-Related Disorders. Identifiers: MedGen C4763519.

Allele frequency attached by ClinVar (database versions not stated): gnomAD exomes 0.00001.
gnomAD v4.1: 1 of 1,559,706 alleles (0.000064%); highest among the groups gnomAD compares: East Asian, 0.0024%; no homozygotes.

Submissions (2):

Women's Health and Genetics/Laboratory Corporation of America, LabCorp
Classification: Likely pathogenic for POLG-related disorder. Last evaluated: 2021-11-03. Review status: criteria provided, single submitter. Criteria: LabCorp Variant Classification Summary - May 2015. Collection method: clinical testing. Allele origin: germline.
Comment: Variant summary: POLG c.425T>C (p.Leu142Pro) results in a non-conservative amino acid change located in the DNA mitochondrial polymerase, exonuclease domain (IPR041336) of the encoded protein sequence. Five of five in-silico tools predict a damaging effect of the variant on protein function. The variant allele was found at a frequency of 5.9e-06 in 169612 control chromosomes. c.425T>C has been not been reported in the literature in individuals affected with POLG-Related Spectrum Disorders. However, this variant was observed in trans (phase confirmed via parental testing) with another pathogenic POLG variant in at-least one individual undergoing comprehensive genetic analysis for ataxia/episodic disorders at our laboratory. These data indicate that the variant may be associated with disease. To our knowledge, no experimental evidence demonstrating an impact on protein function has been reported. One clinical diagnostic laboratory has submitted clinical-significance assessments for this variant to ClinVar after 2014 without evidence for independent evaluation and classified the variant as uncertain significance. Based on the evidence outlined above, the variant was classified as likely pathogenic.

CeGaT Center for Human Genetics Tuebingen
Classification: Uncertain significance. Last evaluated: 2016-10-01. Review status: criteria provided, single submitter. Criteria: CeGaT Center For Human Genetics Tuebingen Variant Classification Criteria Version 2. Collection method: clinical testing. Allele origin: germline. Affected: yes. Observed: 1 variant allele.